The following is an entry in ClinVar:

NM_015474.4(SAMHD1):c.883del (p.Ser295fs)

Gene: SAMHD1 (SAM and HD domain containing deoxynucleoside triphosphate triphosphohydrolase 1; minus strand). Cytogenetic location: 20q11.23.
Variant type: Deletion.
Coding change: c.883del on transcript NM_015474.4 (MANE Select); coding-DNA position 883, one base deleted (A; older notation c.883delA).
Protein change: p.Ser295fs; shifts the reading frame from serine 295.
Molecular consequence: frameshift variant.
Genome position (GRCh38, 1-based): chr20:36,917,019, T deleted on the plus strand (A on the coding strand, the reverse complement: SAMHD1 is on the minus strand); the first of 4 consecutive T bases (chr20:36,917,019-36,917,022); deleting any one gives the same sequence. VCF-style (leftmost placement, unchanged base first): chr20-36917018-CT-C. GRCh37 (hg19) VCF-style: chr20-35545421-CT-C.
Other names: c.883del, p.Ser295fs (NM_001363729.2, NM_001363733.2); short protein forms S295fs.
Identifiers: ClinVar variation 2126310 (VCV002126310.4), dbSNP rs1794524337, ClinGen allele CA1017311929.

ClinVar aggregate classification (germline): Pathogenic (1 of 4 stars; one submission).

Conditions:
Aicardi-Goutieres syndrome 5. Identifiers: Orphanet 51, MedGen C2749659, MONDO:0013059, OMIM 612952.

Submission:

Labcorp Genetics (formerly Invitae), Labcorp
Classification: Pathogenic for Aicardi-Goutieres syndrome 5. Last evaluated: 2022-04-15. Review status: criteria provided, single submitter. Criteria: Invitae Variant Classification Sherloc (09022015). Collection method: clinical testing. Allele origin: germline.
Comment: Algorithms developed to predict the effect of sequence changes on RNA splicing suggest that this variant may disrupt the consensus splice site. For these reasons, this variant has been classified as Pathogenic. This variant has not been reported in the literature in individuals affected with SAMHD1-related conditions. This variant is not present in population databases (gnomAD no frequency). This sequence change creates a premature translational stop signal (p.Ser295Alafs*6) in the SAMHD1 gene. It is expected to result in an absent or disrupted protein product. Loss-of-function variants in SAMHD1 are known to be pathogenic (PMID: 19525956, 22461318).

Literature cited by the submitters: PubMed 19525956; PubMed 22461318.